The following is an entry in ClinVar:

NM_016495.6(TBC1D7):c.161T>C (p.Met54Thr)

Genes: TBC1D7 (TBC1 domain family member 7; minus strand), TBC1D7-LOC100130357 (TBC1D7-LOC100130357 readthrough; minus strand). Cytogenetic location: 6p24.1.
Variant type: single nucleotide variant.
Coding change: c.161T>C on transcript NM_016495.6 (MANE Select); coding-DNA position 161, T replaced by C.
Protein change: p.Met54Thr; replaces methionine 54 with threonine.
Molecular consequence: missense variant. On other transcripts: non-coding transcript variant (1), intron variant (2).
Genome position (GRCh38, 1-based): chr6:13,325,126, A>G on the plus strand (T>C on the coding strand, the complement: TBC1D7 is on the minus strand). VCF-style: chr6-13325126-A-G. GRCh37 (hg19) VCF-style: chr6-13325358-A-G.
Other names: c.161T>C, p.Met54Thr (NM_001318809.2, NM_001143964.4, NM_001143965.4 and 2 more transcripts); c.112+1661T>C (NM_001143966.4, NM_001318806.2); short protein forms M54T.
Identifiers: ClinVar variation 2775916 (VCV002775916.3), dbSNP rs769815497, ClinGen allele CA3639882.

ClinVar aggregate classification (germline): Uncertain significance (1 of 4 stars; one submission).

Allele frequency attached by ClinVar (database versions not stated): ExAC 0.00001.
gnomAD v4.1: 9 of 1,613,908 alleles (0.00056%); highest among the groups gnomAD compares: East Asian, 0.0089%; no homozygotes.

Submission:

Labcorp Genetics (formerly Invitae), Labcorp
Classification: Uncertain significance. Last evaluated: 2023-02-20. Review status: criteria provided, single submitter. Criteria: Invitae Variant Classification Sherloc (09022015). Collection method: clinical testing. Allele origin: germline.
Comment: This sequence change replaces methionine, which is neutral and non-polar, with threonine, which is neutral and polar, at codon 54 of the TBC1D7 protein (p.Met54Thr). This variant is present in population databases (rs769815497, gnomAD 0.003%). In summary, the available evidence is currently insufficient to determine the role of this variant in disease. Therefore, it has been classified as a Variant of Uncertain Significance. An algorithm developed to predict the effect of missense changes on protein structure and function (PolyPhen-2) suggests that this variant is likely to be tolerated. This variant has not been reported in the literature in individuals affected with TBC1D7-related conditions.